The following is an entry in ClinVar:

NM_173500.4(TTBK2):c.3505T>C (p.Ser1169Pro)

Gene: TTBK2 (tau tubulin kinase 2; minus strand). Cytogenetic location: 15q15.2.
Variant type: single nucleotide variant.
Coding change: c.3505T>C on transcript NM_173500.4 (MANE Select); coding-DNA position 3505, T replaced by C.
Protein change: p.Ser1169Pro; replaces serine 1169 with proline.
Molecular consequence: missense variant.
Genome position (GRCh38, 1-based): chr15:42,746,025, A>G on the plus strand (T>C on the coding strand, the complement: TTBK2 is on the minus strand). VCF-style: chr15-42746025-A-G. GRCh37 (hg19) VCF-style: chr15-43038223-A-G.
Other names: short protein forms S1169P.
Identifiers: ClinVar variation 3652942 (VCV003652942.2).

ClinVar aggregate classification (germline): Uncertain significance (1 of 4 stars; one submission).

gnomAD v4.1: 5 of 1,614,012 alleles (0.00031%); highest among the groups gnomAD compares: South Asian, 0.0055%; no homozygotes.

Submission:

Labcorp Genetics (formerly Invitae), Labcorp
Classification: Uncertain significance. Last evaluated: 2024-05-17. Review status: criteria provided, single submitter. Criteria: Invitae Variant Classification Sherloc (09022015). Collection method: clinical testing. Allele origin: germline.
Comment: This sequence change replaces serine, which is neutral and polar, with proline, which is neutral and non-polar, at codon 1169 of the TTBK2 protein (p.Ser1169Pro). This variant is not present in population databases (gnomAD no frequency). This variant has not been reported in the literature in individuals affected with TTBK2-related conditions. An algorithm developed to predict the effect of missense changes on protein structure and function (PolyPhen-2) suggests that this variant is likely to be disruptive. In summary, the available evidence is currently insufficient to determine the role of this variant in disease. Therefore, it has been classified as a Variant of Uncertain Significance.